The following is an entry in ClinVar:

NM_139343.3(BIN1):c.1003-61C>T

Gene: BIN1 (bridging integrator 1; minus strand). Cytogenetic location: 2q14.3.
Variant type: single nucleotide variant.
Coding change: c.1003-61C>T on transcript NM_139343.3 (MANE Select); 61 bases into the intron before coding-DNA position 1003, C replaced by T.
Molecular consequence: intron variant.
Genome position (GRCh38, 1-based): chr2:127,057,662, G>A on the plus strand (C>T on the coding strand, the complement: BIN1 is on the minus strand). VCF-style: chr2-127057662-G-A. GRCh37 (hg19) VCF-style: chr2-127815238-G-A.
Other names: c.922-61C>T (NM_001320642.1); c.837+1349C>T (NM_001320634.1); c.909+1349C>T (NM_139351.3, NM_139350.3, NM_139349.3); c.910-61C>T (NM_139348.3, NM_139347.3, NM_001320641.2); c.954+1349C>T (NM_001320632.2, NM_004305.4); c.955-61C>T (NM_139346.3); c.1002+1349C>T (NM_001320633.2, NM_139345.3, NM_139344.3); c.1003-61C>T (NM_001320640.2).
Identifiers: ClinVar variation 671708 (VCV000671708.2), dbSNP rs3754615, ClinGen allele CA55344051.

ClinVar aggregate classification (germline): Benign. Review status: criteria provided, multiple submitters, no conflicts (2 of 4 stars). 2 submissions from 2 submitters: Benign (2). Last evaluated 2018-06-16.

Allele frequency attached by ClinVar (database versions not stated): gnomAD exomes 0.03259; gnomAD 0.03729 and 0.04261; TOPMed 0.04319; 1000 Genomes Project 30x 0.08916; 1000 Genomes Project 0.08946.
gnomAD v4.1: 49,191 of 1,453,804 alleles (3.4%); highest among the groups gnomAD compares: Admixed American, 15%; 1,998 homozygotes.

Submissions (2):

GeneDx
Classification: Benign. Last evaluated: 2018-06-16. Review status: criteria provided, single submitter. Criteria: GeneDx Variant Classification (06012015). Collection method: clinical testing. Allele origin: germline. Affected: yes.
Comment: This variant is considered likely benign or benign based on one or more of the following criteria: it is a conservative change, it occurs at a poorly conserved position in the protein, it is predicted to be benign by multiple in silico algorithms, and/or has population frequency not consistent with disease.

Breakthrough Genomics
Classification: Benign. Review status: criteria provided, single submitter. Criteria: ACMG Guidelines, 2015. Collection method: not provided. Allele origin: germline. Inheritance: Autosomal recessive inheritance. Affected: yes.